The following is an entry in ClinVar:

NM_000116.5(TAFAZZIN):c.371G>A (p.Gly124Glu)

Gene: TAFAZZIN (tafazzin, phospholipid-lysophospholipid transacylase; plus strand). Cytogenetic location: Xq28.
Variant type: single nucleotide variant.
Coding change: c.371G>A on transcript NM_000116.5 (MANE Select); coding-DNA position 371, G replaced by A.
Protein change: p.Gly124Glu; replaces glycine 124 with glutamic acid.
Molecular consequence: missense variant. On other transcripts: intron variant (3).
Genome position (GRCh38, 1-based): chrX:154,414,101, G>A. VCF-style: chrX-154414101-G-A. GRCh37 (hg19) VCF-style: chrX-153642438-G-A.
Other names: c.425G>A, p.Gly142Glu (NM_001303465.2); c.371G>A, p.Gly124Glu (NM_181312.4); c.424+534G>A (NM_001410698.1); c.370+534G>A (NM_181311.4, NM_181313.4); c.371G>A (NM_000116.3); short protein forms G124E, G142E.
Identifiers: ClinVar variation 2756477 (VCV002756477.4), dbSNP rs782404246, ClinGen allele CA10562335.

ClinVar aggregate classification (germline): Conflicting classifications of pathogenicity. Review status: criteria provided, conflicting classifications (1 of 4 stars). 2 submissions from 2 submitters: Uncertain significance (1); Likely benign (1). Last evaluated 2024-04-18.

Conditions:
Cardiovascular phenotype. Identifiers: MedGen CN230736.
3-Methylglutaconic aciduria type 2 (BTHS). Also called: CARDIOSKELETAL MYOPATHY WITH NEUTROPENIA AND ABNORMAL MITOCHONDRIA; Barth syndrome. Identifiers: Orphanet 111, MedGen C0574083, MONDO:0010543, OMIM 302060.

Allele frequency attached by ClinVar (database versions not stated): gnomAD exomes below 0.00001; ExAC 0.00001.
gnomAD v4.1: 1 of 1,194,660 alleles (0.000084%); highest among the groups gnomAD compares: East Asian, 0.003%; no homozygotes.

Submissions (2):

Ambry Genetics
Classification: Likely benign for Cardiovascular phenotype. Last evaluated: 2024-04-18. Review status: criteria provided, single submitter. Criteria: Ambry Variant Classification Scheme 2023. Collection method: clinical testing. Allele origin: germline.

Labcorp Genetics (formerly Invitae), Labcorp
Classification: Uncertain significance for 3-Methylglutaconic aciduria type 2. Last evaluated: 2023-08-30. Review status: criteria provided, single submitter. Criteria: Invitae Variant Classification Sherloc (09022015). Collection method: clinical testing. Allele origin: germline.
Comment: Algorithms developed to predict the effect of missense changes on protein structure and function output the following: SIFT: "Not Available"; PolyPhen-2: "Benign"; Align-GVGD: "Not Available". The glutamic acid amino acid residue is found in multiple mammalian species, which suggests that this missense change does not adversely affect protein function. This variant has not been reported in the literature in individuals affected with TAZ-related conditions. This variant is present in population databases (rs782404246, gnomAD 0.008%). This sequence change replaces glycine, which is neutral and non-polar, with glutamic acid, which is acidic and polar, at codon 124 of the TAZ protein (p.Gly124Glu). Algorithms developed to predict the effect of sequence changes on RNA splicing suggest that this variant may disrupt the consensus splice site. In summary, the available evidence is currently insufficient to determine the role of this variant in disease. Therefore, it has been classified as a Variant of Uncertain Significance.